The following is an entry in ClinVar:

ClinVar aggregate classification (germline): Uncertain significance (1 of 4 stars; one submission).

Allele frequency attached by ClinVar (database versions not stated): TOPMed below 0.00001; gnomAD 0.00001; gnomAD exomes 0.00001; ExAC 0.00003.
gnomAD v4.1: 13 of 1,613,528 alleles (0.00081%); highest among the groups gnomAD compares: South Asian, 0.0022%; no homozygotes.

Submission:

Labcorp Genetics (formerly Invitae), Labcorp
Classification: Uncertain significance. Last evaluated: 2022-05-09. Review status: criteria provided, single submitter. Criteria: Invitae Variant Classification Sherloc (09022015). Collection method: clinical testing. Allele origin: germline.
Comment: This sequence change replaces arginine, which is basic and polar, with histidine, which is basic and polar, at codon 162 of the PLOD2 protein (p.Arg162His). This variant is present in population databases (rs771339886, gnomAD 0.003%). This variant has not been reported in the literature in individuals affected with PLOD2-related conditions. Algorithms developed to predict the effect of missense changes on protein structure and function are either unavailable or do not agree on the potential impact of this missense change (SIFT: "Deleterious"; PolyPhen-2: "Probably Damaging"; Align-GVGD: "Class C0"). In summary, the available evidence is currently insufficient to determine the role of this variant in disease. Therefore, it has been classified as a Variant of Uncertain Significance.

NM_182943.3(PLOD2):c.485G>A (p.Arg162His)

Genes: PLOD2 (procollagen-lysine,2-oxoglutarate 5-dioxygenase 2; minus strand), LOC129389144 (MPRA-validated peak4856 silencer; plus strand). Cytogenetic location: 3q24.
Variant type: single nucleotide variant.
Coding change: c.485G>A on transcript NM_182943.3 (MANE Select); coding-DNA position 485, G replaced by A.
Protein change: p.Arg162His; replaces arginine 162 with histidine.
Molecular consequence: missense variant.
Genome position (GRCh38, 1-based): chr3:146,110,302, C>T on the plus strand (G>A on the coding strand, the complement: PLOD2 is on the minus strand). VCF-style: chr3-146110302-C-T. GRCh37 (hg19) VCF-style: chr3-145828089-C-T.
Other names: c.485G>A, p.Arg162His (NM_000935.3); short protein forms R162H.
Identifiers: ClinVar variation 1924911 (VCV001924911.2), dbSNP rs771339886, ClinGen allele CA2655238.